The following is an entry in ClinVar:

ClinVar aggregate classification (germline): Benign. Review status: criteria provided, multiple submitters, no conflicts (2 of 4 stars). 3 submissions from 3 submitters: Benign (2). 1 of the submissions does not count toward it. Last evaluated 2019-12-31.

Conditions:
KRT8-related disorder. Also called: KRT8-related condition.

Allele frequency attached by ClinVar (database versions not stated): gnomAD exomes 0.00222 and 0.00537; ExAC 0.00641; gnomAD 0.01936 and 0.02077; 1000 Genomes Project 0.02097; 1000 Genomes Project 30x 0.02108; TOPMed 0.02234; ESP Exome Variant Server 0.02370.
gnomAD v4.1: 6,340 of 1,613,508 alleles (0.39%); highest among the groups gnomAD compares: African/African-American, 6.7%; 179 homozygotes.

Submissions (3):

Labcorp Genetics (formerly Invitae), Labcorp
Classification: Benign. Last evaluated: 2019-12-31. Review status: criteria provided, single submitter. Criteria: Invitae Variant Classification Sherloc (09022015). Collection method: clinical testing. Allele origin: germline.

Breakthrough Genomics
Classification: Benign. Review status: criteria provided, single submitter. Criteria: ACMG Guidelines, 2015. Collection method: not provided. Allele origin: germline. Inheritance: Unknown mechanism. Affected: yes.

PreventionGenetics, part of Exact Sciences
Classification: Benign for KRT8-related condition. Last evaluated: 2019-03-20. Review status: no assertion criteria provided. Collection method: clinical testing. Allele origin: germline. Not counted in ClinVar's aggregate classification.
Comment: This variant is classified as benign based on ACMG/AMP sequence variant interpretation guidelines (Richards et al. 2015 PMID: 25741868, with internal and published modifications).

NM_002273.4(KRT8):c.999C>T (p.Ala333=)

Gene: KRT8 (keratin 8; minus strand). Cytogenetic location: 12q13.13.
Variant type: single nucleotide variant.
Coding change: c.999C>T on transcript NM_002273.4 (MANE Select); coding-DNA position 999, C replaced by T.
Protein change: p.Ala333=; no amino-acid change (alanine 333 retained).
Molecular consequence: synonymous variant. On other transcripts: non-coding transcript variant (1).
Genome position (GRCh38, 1-based): chr12:52,898,882, G>A on the plus strand (C>T on the coding strand, the complement: KRT8 is on the minus strand). VCF-style: chr12-52898882-G-A. GRCh37 (hg19) VCF-style: chr12-53292666-G-A.
Other names: c.1083C>T, p.Ala361= (NM_001256282.2); c.999C>T, p.Ala333= (NM_001256293.2).
Identifiers: ClinVar variation 768552 (VCV000768552.7), dbSNP rs7750, ClinGen allele CA6590377.